The following is an entry in ClinVar:

NM_145331.3(MAP3K7):c.820C>T (p.Arg274Cys)

Gene: MAP3K7 (mitogen-activated protein kinase kinase kinase 7; minus strand). Cytogenetic location: 6q15.
Variant type: single nucleotide variant.
Coding change: c.820C>T on transcript NM_145331.3 (MANE Select); coding-DNA position 820, C replaced by T.
Protein change: p.Arg274Cys; replaces arginine 274 with cysteine.
Molecular consequence: missense variant.
Genome position (GRCh38, 1-based): chr6:90,552,096, G>A on the plus strand (C>T on the coding strand, the complement: MAP3K7 is on the minus strand). VCF-style: chr6-90552096-G-A. GRCh37 (hg19) VCF-style: chr6-91261815-G-A.
Other names: c.820C>T, p.Arg274Cys (NM_003188.4, NM_145332.3, NM_145333.3); short protein forms R274C.
Identifiers: ClinVar variation 1498883 (VCV001498883.11), dbSNP rs2127974439, ClinGen allele CA365011759.
Genomic context (GRCh38, chr6:90,552,096, plus strand): 5'-AGAAGGATTATACCCGCATCAAGTGAGTCATTATTTTCACAATTTCCTCCATTGAAGGGC[G>A]CTGGGAAGGATCTTTAGACCAACAACGAGTCATCAGGCTCTCAATGGGCTTAGGTAAATT-3'
Protein context (NP_663304.1, residues 264-284): TRCWSKDPSQ[Arg274Cys]PSMEEIVKIM

ClinVar aggregate classification (germline): Pathogenic/Likely pathogenic. Review status: criteria provided, multiple submitters, no conflicts (2 of 4 stars). 2 submissions from 2 submitters: Pathogenic (1); Likely pathogenic (1). Last evaluated 2026-10-19.

Allele frequency attached by ClinVar (database versions not stated): gnomAD exomes below 0.00001.
gnomAD v4.1: 2 of 1,612,634 alleles (0.00012%); highest among the groups gnomAD compares: Non-Finnish European, 0.00017%; no homozygotes.

Submissions (2):

GeneDx
Classification: Pathogenic. Last evaluated: 2026-10-19. Review status: criteria provided, single submitter. Criteria: GeneDx Variant Classification Process June 2021. Collection method: clinical testing. Allele origin: germline.
Comment: Identified in an individual from a cohort with skeletal disorders, but additional clinical information was not included (PMID: 38702915); Not observed at significant frequency in large population cohorts (gnomAD); In silico analysis supports that this missense variant has a deleterious effect on protein structure/function; This variant is associated with the following publications: (PMID: 38702915, 37813462)

Labcorp Genetics (formerly Invitae), Labcorp
Classification: Likely pathogenic. Last evaluated: 2022-08-09. Review status: criteria provided, single submitter. Criteria: Invitae Variant Classification Sherloc (09022015). Collection method: clinical testing. Allele origin: germline.
Comment: In summary, the currently available evidence indicates that the variant is pathogenic, but additional data are needed to prove that conclusively. Therefore, this variant has been classified as Likely Pathogenic. Algorithms developed to predict the effect of missense changes on protein structure and function (SIFT, PolyPhen-2, Align-GVGD) all suggest that this variant is likely to be disruptive. ClinVar contains an entry for this variant (Variation ID: 1498883). This missense change has been observed in individual(s) with clinical features of cardiospondylocarpofacial syndrome (Invitae). In at least one individual the variant was observed to be de novo. This variant is not present in population databases (gnomAD no frequency). This sequence change replaces arginine, which is basic and polar, with cysteine, which is neutral and slightly polar, at codon 274 of the MAP3K7 protein (p.Arg274Cys).